The following is an entry in ClinVar:

ClinVar aggregate classification (germline): Uncertain significance. Review status: criteria provided, multiple submitters, no conflicts (2 of 4 stars). 2 submissions from 2 submitters: Uncertain significance (2). Last evaluated 2025-01-27.

Conditions:
Inborn genetic diseases. Identifiers: MedGen C0950123, MeSH D030342.

Allele frequency attached by ClinVar (database versions not stated): gnomAD 0.00001; TOPMed 0.00002.
gnomAD v4.1: 1 of 1,610,174 alleles (0.000062%); highest among the groups gnomAD compares: Non-Finnish European, 0.000085%; no homozygotes.

Submissions (2):

Labcorp Genetics (formerly Invitae), Labcorp
Classification: Uncertain significance. Last evaluated: 2025-01-27. Review status: criteria provided, single submitter. Criteria: Invitae Variant Classification Sherloc (09022015). Collection method: clinical testing. Allele origin: germline.
Comment: This sequence change replaces methionine, which is neutral and non-polar, with isoleucine, which is neutral and non-polar, at codon 908 of the C2CD3 protein (p.Met908Ile). This variant is not present in population databases (gnomAD no frequency). This variant has not been reported in the literature in individuals affected with C2CD3-related conditions. ClinVar contains an entry for this variant (Variation ID: 1938204). Invitae Evidence Modeling of protein sequence and biophysical properties (such as structural, functional, and spatial information, amino acid conservation, physicochemical variation, residue mobility, and thermodynamic stability) indicates that this missense variant is not expected to disrupt C2CD3 protein function with a negative predictive value of 80%. In summary, the available evidence is currently insufficient to determine the role of this variant in disease. Therefore, it has been classified as a Variant of Uncertain Significance.

Ambry Genetics
Classification: Uncertain significance for Inborn genetic diseases. Last evaluated: 2024-01-03. Review status: criteria provided, single submitter. Criteria: Ambry Variant Classification Scheme 2023. Collection method: clinical testing. Allele origin: germline.

NM_001286577.2(C2CD3):c.2724G>A (p.Met908Ile)

Gene: C2CD3 (C2 domain containing 3 centriole elongation regulator; minus strand). Cytogenetic location: 11q13.4.
Variant type: single nucleotide variant.
Coding change: c.2724G>A on transcript NM_001286577.2 (MANE Select); coding-DNA position 2724, G replaced by A.
Protein change: p.Met908Ile; replaces methionine 908 with isoleucine.
Molecular consequence: missense variant.
Genome position (GRCh38, 1-based): chr11:74,100,533, C>T on the plus strand (G>A on the coding strand, the complement: C2CD3 is on the minus strand). VCF-style: chr11-74100533-C-T. GRCh37 (hg19) VCF-style: chr11-73811578-C-T.
Other names: c.2724G>A, p.Met908Ile (NM_015531.6); c.2724G>A (NM_015531.4); short protein forms M908I.
Identifiers: ClinVar variation 1938204 (VCV001938204.4), dbSNP rs1310309493, ClinGen allele CA381831535.